The following is an entry in ClinVar:

NM_153240.5(NPHP3):c.1996A>G (p.Thr666Ala)

Genes: NPHP3 (nephrocystin 3; minus strand), NPHP3-ACAD11 (NPHP3-ACAD11 readthrough (NMD candidate); minus strand). Cytogenetic location: 3q22.1.
Variant type: single nucleotide variant.
Coding change: c.1996A>G on transcript NM_153240.5 (MANE Select); coding-DNA position 1996, A replaced by G.
Protein change: p.Thr666Ala; replaces threonine 666 with alanine.
Molecular consequence: missense variant. On other transcripts: non-coding transcript variant (1).
Genome position (GRCh38, 1-based): chr3:132,697,352, T>C on the plus strand (A>G on the coding strand, the complement: NPHP3 is on the minus strand). VCF-style: chr3-132697352-T-C. GRCh37 (hg19) VCF-style: chr3-132416196-T-C.
Other names: short protein forms T666A.
Identifiers: ClinVar variation 5000118 (VCV005000118.1).
Genomic context (GRCh38, chr3:132,697,352, plus strand): 5'-GGCATTCTGCAATTATAATAGATTTTGCATCTTTTGGACTTAAGGGATCAAGATGAAGTG[T>C]AGGCCACAACCTTTTATGTAAAGAAAAGAAAAATGAAATTTTAATAATACAACAAGAACT-3'
Protein context (NP_694972.3, residues 656-676): TCPPAWRLWP[Thr666Ala]LHLDPLSPKD

ClinVar aggregate classification (germline): Uncertain significance (1 of 4 stars; one submission).

Conditions:
NPHP3-related disorder. Also called: NPHP3-related condition; NPHP3-related disorders. Identifiers: MedGen CN379163.

gnomAD v4.1: 2 of 1,607,516 alleles (0.00012%); highest among the groups gnomAD compares: Admixed American, 0.0017%; no homozygotes.

Submission:

PreventionGenetics, part of Exact Sciences
Classification: Uncertain significance for NPHP3-related condition. Last evaluated: 2024-12-13. Review status: criteria provided, single submitter. Criteria: ACMG Guidelines, 2015. Collection method: clinical testing. Allele origin: germline.
Comment: The NPHP3 c.1996A>G variant is predicted to result in the amino acid substitution p.Thr666Ala. To our knowledge, this variant has not been reported in the literature or in a large population database (gnomAD), indicating this variant is rare. At this time, the clinical significance of this variant is uncertain due to the absence of conclusive functional and genetic evidence.